The following is an entry in ClinVar:

ClinVar aggregate classification (germline): Uncertain significance (1 of 4 stars; one submission).

Submission:

Labcorp Genetics (formerly Invitae), Labcorp
Classification: Uncertain significance. Last evaluated: 2025-10-13. Review status: criteria provided, single submitter. Criteria: Invitae Variant Classification Sherloc (09022015). Collection method: clinical testing. Allele origin: germline.
Comment: This sequence change replaces valine, which is neutral and non-polar, with alanine, which is neutral and non-polar, at codon 826 of the HK1 protein (p.Val826Ala). This variant is not present in population databases (gnomAD no frequency). This variant has not been reported in the literature in individuals affected with HK1-related conditions. ClinVar contains an entry for this variant (Variation ID: 2706213). Invitae Evidence Modeling of protein sequence and biophysical properties (such as structural, functional, and spatial information, amino acid conservation, physicochemical variation, residue mobility, and thermodynamic stability) has been performed for this missense variant. However, the output from this modeling did not meet the statistical confidence thresholds required to predict the impact of this variant on HK1 protein function. In summary, the available evidence is currently insufficient to determine the role of this variant in disease. Therefore, it has been classified as a Variant of Uncertain Significance.

NM_000188.3(HK1):c.2477T>C (p.Val826Ala)

Gene: HK1 (hexokinase 1; plus strand). Cytogenetic location: 10q22.1.
Variant type: single nucleotide variant.
Coding change: c.2477T>C on transcript NM_000188.3 (MANE Select); coding-DNA position 2477, T replaced by C.
Protein change: p.Val826Ala; replaces valine 826 with alanine.
Molecular consequence: missense variant.
Genome position (GRCh38, 1-based): chr10:69,398,696, T>C. VCF-style: chr10-69398696-T-C. GRCh37 (hg19) VCF-style: chr10-71158452-T-C.
Other names: c.2489T>C, p.Val830Ala (NM_001322364.2, NM_001358263.1, NM_033497.3 and 1 more transcripts); c.2582T>C, p.Val861Ala (NM_001322365.2); c.2393T>C, p.Val798Ala (NM_001322366.1); c.2381T>C, p.Val794Ala (NM_001322367.1); c.2474T>C, p.Val825Ala (NM_033496.3); c.2441T>C, p.Val814Ala (NM_033500.2); short protein forms V794A, V814A, V826A, V825A, V830A, V798A, V861A.
Identifiers: ClinVar variation 2706213 (VCV002706213.3), dbSNP rs1207620463, ClinGen allele CA376916852.
Genomic context (GRCh38, chr10:69,398,696, plus strand): 5'-AGCTAGGTCTGAATAGCACCTGCGATGACAGTATCCTCGTCAAGACAGTGTGCGGGGTGG[T>C]GTCCAGGAGGGCCGCACAGCTGTGTGGCGCAGGCATGGCTGCGGTTGTGGATAAGATCCG-3'
Protein context (NP_000179.2, residues 816-836): SILVKTVCGV[Val826Ala]SRRAAQLCGA